The following is an entry in ClinVar:

ClinVar aggregate classification (germline): Pathogenic (1 of 4 stars; one submission).

Conditions:
Deficiency of UDPglucose-hexose-1-phosphate uridylyltransferase. Also called: GALACTOSE-1-PHOSPHATE URIDYLYLTRANSFERASE DEFICIENCY; GALACTOSEMIA I; GALT deficiency; Galactosemia, classic; Transferase Deficiency Galactosemia. Identifiers: Orphanet 352, Orphanet 79239, MedGen C0268151, MONDO:0009258, OMIM 230400.

Submission:

Labcorp Genetics (formerly Invitae), Labcorp
Classification: Pathogenic for Deficiency of UDPglucose-hexose-1-phosphate uridylyltransferase. Last evaluated: 2023-02-17. Review status: criteria provided, single submitter. Criteria: Invitae Variant Classification Sherloc (09022015). Collection method: clinical testing. Allele origin: unknown.
Comment: This variant is a gross deletion of the genomic region encompassing exon(s) 1-10 of the GALT gene, which includes the initiator codon. This deletion extends beyond the assayed region for this gene and therefore may encompass additional genes. It is expected to result in an absent or disrupted protein product. Loss-of-function variants in GALT are known to be pathogenic (PMID: 22944367). A similar copy number variant has been observed in individual(s) with clinical features of GALT-related disorders (PMID: 30231941). For these reasons, this variant has been classified as Pathogenic.

Literature cited by the submitters: PubMed 22944367; PubMed 30231941.

NC_000009.11:g.(?_34646573)_(34649581_?)del

Gene: GALT (galactose-1-phosphate uridylyltransferase; plus strand). Cytogenetic location: 9p13.3.
Variant type: Deletion.
Identifiers: ClinVar variation 3245105 (VCV003245105.1).